The following is an entry in ClinVar:

NM_018238.4(AGK):c.518+35G>T

Gene: AGK (acylglycerol kinase; plus strand). Cytogenetic location: 7q34.
Variant type: single nucleotide variant.
Coding change: c.518+35G>T on transcript NM_018238.4 (MANE Select); 35 bases into the intron after coding-DNA position 518, G replaced by T.
Molecular consequence: intron variant.
Genome position (GRCh38, 1-based): chr7:141,615,600, G>T. VCF-style: chr7-141615600-G-T. GRCh37 (hg19) VCF-style: chr7-141315400-G-T.
Other names: c.518+35G>T (NM_001364948.3).
Identifiers: ClinVar variation 673701 (VCV000673701.1), dbSNP rs115245729, ClinGen allele CA4517484.

ClinVar aggregate classification (germline): Likely benign (1 of 4 stars; one submission).

Allele frequency attached by ClinVar (database versions not stated): 1000 Genomes Project 0.00859; gnomAD 0.00930; 1000 Genomes Project 30x 0.00937; ESP Exome Variant Server 0.01046; TOPMed 0.01132.
gnomAD v4.1: 3,124 of 1,542,812 alleles (0.2%); highest among the groups gnomAD compares: African/African-American, 3.7%; 52 homozygotes.

Submission:

GeneDx
Classification: Likely benign. Last evaluated: 2018-06-16. Review status: criteria provided, single submitter. Criteria: GeneDx Variant Classification (06012015). Collection method: clinical testing. Allele origin: germline. Affected: yes.
Comment: This variant is considered likely benign or benign based on one or more of the following criteria: it is a conservative change, it occurs at a poorly conserved position in the protein, it is predicted to be benign by multiple in silico algorithms, and/or has population frequency not consistent with disease.